The following is an entry in ClinVar:

NM_020779.4(WDR35):c.2456A>G (p.Glu819Gly)

Gene: WDR35 (WD repeat domain 35; minus strand). Cytogenetic location: 2p24.1.
Variant type: single nucleotide variant.
Coding change: c.2456A>G on transcript NM_020779.4 (MANE Select); coding-DNA position 2456, A replaced by G.
Protein change: p.Glu819Gly; replaces glutamic acid 819 with glycine.
Molecular consequence: missense variant.
Genome position (GRCh38, 1-based): chr2:19,935,562, T>C on the plus strand (A>G on the coding strand, the complement: WDR35 is on the minus strand). VCF-style: chr2-19935562-T-C. GRCh37 (hg19) VCF-style: chr2-20135323-T-C.
Other names: c.2489A>G, p.Glu830Gly (NM_001006657.2); short protein forms E830G, E819G.
Identifiers: ClinVar variation 1372547 (VCV001372547.9), dbSNP rs139352103, ClinGen allele CA1542938.
Genomic context (GRCh38, chr2:19,935,562, plus strand): 5'-ATGGCAAGGTTCTCTAACCCTTCATAATCCTCTAACATATAGTAACATTCAGCTAAGCGT[T>C]CCTGGTTCCGTCCTTGTACATAATATTGTACAGCATTCAACCTACAGAAAGAAAAAAGGA-3'
Protein context (NP_065830.2, residues 809-829): VQYYVQGRNQ[Glu819Gly]RLAECYYMLE

ClinVar aggregate classification (germline): Conflicting classifications of pathogenicity. Review status: criteria provided, conflicting classifications (1 of 4 stars). 3 submissions from 3 submitters: Uncertain significance (2); Likely benign (1). Last evaluated 2025-09-05.

Conditions:
Inborn genetic diseases. Identifiers: MedGen C0950123, MeSH D030342.
Cranioectodermal dysplasia 2 (CED2). Identifiers: Orphanet 1515, MedGen C3150874, MONDO:0013323, OMIM 613610.
Short-rib thoracic dysplasia 7 with or without polydactyly (SRTD7). Also called: Short rib polydactyly syndrome 5; SHORT-RIB THORACIC DYSPLASIA 7 WITH POLYDACTYLY. Identifiers: Orphanet 498497, Orphanet 93271, MedGen C3279792, MONDO:0013569, OMIM 614091.

Allele frequency attached by ClinVar (database versions not stated): gnomAD exomes 0.00002 and 0.00004; ExAC 0.00005; TOPMed 0.00016; gnomAD 0.00017 and 0.00019; ESP Exome Variant Server 0.00023.
gnomAD v4.1: 48 of 1,613,044 alleles (0.003%); highest among the groups gnomAD compares: African/African-American, 0.064%; no homozygotes.

Submissions (3):

Labcorp Genetics (formerly Invitae), Labcorp
Classification: Likely benign for Cranioectodermal dysplasia 2; Short-rib thoracic dysplasia 7 with or without polydactyly. Last evaluated: 2025-09-05. Review status: criteria provided, single submitter. Criteria: Invitae Variant Classification Sherloc (09022015). Collection method: clinical testing. Allele origin: germline.

GeneDx
Classification: Uncertain significance. Last evaluated: 2022-06-15. Review status: criteria provided, single submitter. Criteria: GeneDx Variant Classification Process June 2021. Collection method: clinical testing. Allele origin: germline. Affected: yes.
Comment: In silico analysis supports that this missense variant has a deleterious effect on protein structure/function; Has not been previously published as pathogenic or benign to our knowledge

Ambry Genetics
Classification: Uncertain significance for Inborn genetic diseases. Last evaluated: 2021-10-27. Review status: criteria provided, single submitter. Criteria: Ambry Variant Classification Scheme 2023. Collection method: clinical testing. Allele origin: germline.